The following is an entry in ClinVar:

NM_153240.5(NPHP3):c.2308C>A (p.Gln770Lys)

Genes: NPHP3 (nephrocystin 3; minus strand), NPHP3-ACAD11 (NPHP3-ACAD11 readthrough (NMD candidate); minus strand). Cytogenetic location: 3q22.1.
Variant type: single nucleotide variant.
Coding change: c.2308C>A on transcript NM_153240.5 (MANE Select); coding-DNA position 2308, C replaced by A.
Protein change: p.Gln770Lys; replaces glutamine 770 with lysine.
Molecular consequence: missense variant. On other transcripts: non-coding transcript variant (1).
Genome position (GRCh38, 1-based): chr3:132,694,829, G>T on the plus strand (C>A on the coding strand, the complement: NPHP3 is on the minus strand). VCF-style: chr3-132694829-G-T. GRCh37 (hg19) VCF-style: chr3-132413673-G-T.
Other names: p.Gln770Lys; short protein forms Q770K.
Identifiers: ClinVar variation 4540925 (VCV004540925.1).

ClinVar aggregate classification (germline): Uncertain significance (1 of 4 stars; one submission).

gnomAD v4.1: 24 of 1,612,974 alleles (0.0015%); highest among the groups gnomAD compares: Non-Finnish European, 0.0019%; no homozygotes.

Submission:

Mayo Clinic Laboratories, Mayo Clinic
Classification: Uncertain significance. Last evaluated: 2025-08-19. Review status: criteria provided, single submitter. Criteria: ACMG Guidelines, 2015. Collection method: clinical testing. Allele origin: germline. Observed: 1 variant allele.
Comment: PM2_supporting